The following is an entry in ClinVar:

NM_002691.4(POLD1):c.74A>G (p.Asp25Gly)

Gene: POLD1 (DNA polymerase delta 1, catalytic subunit; plus strand). Cytogenetic location: 19q13.33.
Variant type: single nucleotide variant.
Coding change: c.74A>G on transcript NM_002691.4 (MANE Select); coding-DNA position 74, A replaced by G.
Protein change: p.Asp25Gly; replaces aspartic acid 25 with glycine.
Molecular consequence: missense variant. On other transcripts: non-coding transcript variant (1).
Genome position (GRCh38, 1-based): chr19:50,398,925, A>G. VCF-style: chr19-50398925-A-G. GRCh37 (hg19) VCF-style: chr19-50902182-A-G.
Other names: c.74A>G (NM_002691.2); c.74A>G, p.Asp25Gly (NM_001256849.1, NM_001308632.1); short protein forms D25G.
Identifiers: ClinVar variation 1061519 (VCV001061519.10), dbSNP rs2122195283, ClinGen allele CA406970088.

ClinVar aggregate classification (germline): Uncertain significance. Review status: criteria provided, multiple submitters, no conflicts (2 of 4 stars). 2 submissions from 2 submitters: Uncertain significance (2). Last evaluated 2024-11-05.

Conditions:
Hereditary cancer-predisposing syndrome. Also called: Hereditary neoplastic syndrome; Neoplastic Syndromes, Hereditary; Tumor predisposition; Hereditary Cancer Syndrome. Identifiers: Orphanet 140162, MedGen C0027672, MeSH D009386, MONDO:0015356.
POLD1-related polyposis and colorectal cancer syndrome (CRCS10). Also called: Colorectal cancer, susceptibility to, 10; Colorectal cancer 10; COLORECTAL CANCER, SUSCEPTIBILITY TO, ON CHROMOSOME 19q. Identifiers: Orphanet 220460, MedGen C2675481, MONDO:0012953, OMIM 612591.

Submissions (2):

Ambry Genetics
Classification: Uncertain significance for Hereditary cancer-predisposing syndrome. Last evaluated: 2024-11-05. Review status: criteria provided, single submitter. Criteria: Ambry Variant Classification Scheme 2023. Collection method: clinical testing. Allele origin: germline.
Comment: The p.D25G variant (also known as c.74A>G), located in coding exon 1 of the POLD1 gene, results from an A to G substitution at nucleotide position 74. The aspartic acid at codon 25 is replaced by glycine, an amino acid with similar properties. This amino acid position is conserved. In addition, this alteration is predicted to be tolerated by in silico analysis. Based on the available evidence, the clinical significance of this variant remains unclear.

Labcorp Genetics (formerly Invitae), Labcorp
Classification: Uncertain significance for POLD1-related polyposis and colorectal cancer syndrome. Last evaluated: 2024-08-20. Review status: criteria provided, single submitter. Criteria: Invitae Variant Classification Sherloc (09022015). Collection method: clinical testing. Allele origin: germline.
Comment: This sequence change replaces aspartic acid, which is acidic and polar, with glycine, which is neutral and non-polar, at codon 25 of the POLD1 protein (p.Asp25Gly). This variant is not present in population databases (gnomAD no frequency). This variant has not been reported in the literature in individuals affected with POLD1-related conditions. ClinVar contains an entry for this variant (Variation ID: 1061519). An algorithm developed to predict the effect of missense changes on protein structure and function (PolyPhen-2) suggests that this variant is likely to be tolerated. In summary, the available evidence is currently insufficient to determine the role of this variant in disease. Therefore, it has been classified as a Variant of Uncertain Significance.